The following is an entry in ClinVar:

ClinVar aggregate classification (germline): Benign. Review status: criteria provided, multiple submitters, no conflicts (2 of 4 stars). 3 submissions from 2 submitters: Benign (3). Last evaluated 2018-01-13.

Conditions:
Idiopathic hypereosinophilic syndrome (HES). Identifiers: Orphanet 3260, MedGen C0206141, MONDO:0011895, OMIM 607685. Disease mechanism: gain of function.
Gastrointestinal stromal tumor. Also called: Gastrointestinal stromal tumor, somatic; Gastrointestinal stroma tumor. Identifiers: Orphanet 44890, MedGen C0238198, MeSH D046152, MONDO:0011719, OMIM 606764, HP:0100723.

Allele frequency attached by ClinVar (database versions not stated): ESP Exome Variant Server 0.00138; gnomAD 0.00148 and 0.00265; TOPMed 0.00173; gnomAD exomes 0.00346 and 0.00564; ExAC 0.00629; 1000 Genomes Project 30x 0.00968; 1000 Genomes Project 0.01038.
gnomAD v4.1: 5,471 of 1,596,206 alleles (0.34%); highest among the groups gnomAD compares: South Asian, 3.3%; 102 homozygotes.

Submissions (3):

Illumina Laboratory Services, Illumina
Classification: Benign for Gastrointestinal stromal tumor. Last evaluated: 2018-01-13. Review status: criteria provided, single submitter. Criteria: ICSL Variant Classification Criteria 13 December 2019. Collection method: clinical testing. Allele origin: germline.
Comment: This variant was observed in the ICSL laboratory as part of a predisposition screen in an ostensibly healthy population. It had not been previously curated by ICSL or reported in the Human Gene Mutation Database (HGMD: prior to June 1st, 2018), and was therefore a candidate for classification through an automated scoring system. Utilizing variant allele frequency, disease prevalence and penetrance estimates, and inheritance mode, an automated score was calculated to assess if this variant is too frequent to cause the disease. Based on the score and internal cut-off values, a variant classified as benign is not then subjected to further curation. The score for this variant resulted in a classification of benign for this disease.

Illumina Laboratory Services, Illumina
Classification: Benign for Idiopathic hypereosinophilic syndrome. Last evaluated: 2018-01-13. Review status: criteria provided, single submitter. Criteria: ICSL Variant Classification Criteria 13 December 2019. Collection method: clinical testing. Allele origin: germline.
Comment: the same text as in the submission from Illumina Laboratory Services, Illumina above.

Breakthrough Genomics
Classification: Benign. Review status: criteria provided, single submitter. Criteria: ACMG Guidelines, 2015. Collection method: not provided. Allele origin: germline. Inheritance: Autosomal dominant inheritance. Affected: yes.

NM_006206.6(PDGFRA):c.*51G>A

Gene: PDGFRA (platelet derived growth factor receptor alpha; plus strand). Cytogenetic location: 4q12.
Variant type: single nucleotide variant.
Coding change: c.*51G>A on transcript NM_006206.6 (MANE Select); 51 bases downstream of the stop codon, G replaced by A.
Molecular consequence: 3 prime UTR variant.
Genome position (GRCh38, 1-based): chr4:54,295,323, G>A. VCF-style: chr4-54295323-G-A. GRCh37 (hg19) VCF-style: chr4-55161490-G-A.
Other names: c.*51G>A (NM_001347828.2, NM_001347829.2, NM_001347830.2).
Identifiers: ClinVar variation 348911 (VCV000348911.6), dbSNP rs141346675, ClinGen allele CA2923090.
Genomic context (GRCh38, chr4:54,295,323, plus strand): 5'-CTTCCTGTAACTGGCGGATTCGAGGGGTTCCTTCCACTTCTGGGGCCACCTCTGGATCCC[G>A]TTCAGAAAACCACTTTATTGCAATGCAGAGGTTGAGAGGAGGACTTGGTTGATGTTTAAA-3'